The following is an entry in ClinVar:

ClinVar aggregate classification (germline): Uncertain significance. Review status: criteria provided, multiple submitters, no conflicts (2 of 4 stars). 2 submissions from 2 submitters: Uncertain significance (2). Last evaluated 2026-03-13.

Allele frequency attached by ClinVar (database versions not stated): gnomAD 0.00001; TOPMed 0.00002.
gnomAD v4.1: 8 of 1,613,472 alleles (0.0005%); highest among the groups gnomAD compares: African/African-American, 0.0013%; no homozygotes.

Submissions (2):

GeneDx
Classification: Uncertain significance. Last evaluated: 2026-03-13. Review status: criteria provided, single submitter. Criteria: GeneDx Variant Classification Process June 2021. Collection method: clinical testing. Allele origin: germline.
Comment: Not observed at significant frequency in large population cohorts (gnomAD); In silico analysis supports that this missense variant has a deleterious effect on protein structure/function; Has not been previously published as pathogenic or benign to our knowledge

Labcorp Genetics (formerly Invitae), Labcorp
Classification: Uncertain significance. Last evaluated: 2022-06-02. Review status: criteria provided, single submitter. Criteria: Invitae Variant Classification Sherloc (09022015). Collection method: clinical testing. Allele origin: germline.
Comment: In summary, the available evidence is currently insufficient to determine the role of this variant in disease. Therefore, it has been classified as a Variant of Uncertain Significance. Algorithms developed to predict the effect of missense changes on protein structure and function (SIFT, PolyPhen-2, Align-GVGD) all suggest that this variant is likely to be disruptive. This variant has not been reported in the literature in individuals affected with HERC1-related conditions. This variant is not present in population databases (gnomAD no frequency). This sequence change replaces arginine, which is basic and polar, with cysteine, which is neutral and slightly polar, at codon 2221 of the HERC1 protein (p.Arg2221Cys).

NM_003922.4(HERC1):c.6661C>T (p.Arg2221Cys)

Gene: HERC1 (HECT and RLD domain containing E3 ubiquitin protein ligase family member 1; minus strand). Cytogenetic location: 15q22.31.
Variant type: single nucleotide variant.
Coding change: c.6661C>T on transcript NM_003922.4 (MANE Select); coding-DNA position 6661, C replaced by T.
Protein change: p.Arg2221Cys; replaces arginine 2221 with cysteine.
Molecular consequence: missense variant.
Genome position (GRCh38, 1-based): chr15:63,678,254, G>A on the plus strand (C>T on the coding strand, the complement: HERC1 is on the minus strand). VCF-style: chr15-63678254-G-A. GRCh37 (hg19) VCF-style: chr15-63970453-G-A.
Other names: c.6661C>T (NM_003922.3); short protein forms R2221C.
Identifiers: ClinVar variation 1931613 (VCV001931613.6), dbSNP rs913034332, ClinGen allele CA272099956.
Genomic context (GRCh38, chr15:63,678,254, plus strand): 5'-GCCTTTCCATCATTTTTTTGTTAATGCAGTAAGTCCAACGGTCTGTTCGGTGAAGGATAC[G>A]GATGAGCTGAATAGTGGCCTCAGCCAGCACTGCTGCTACTGGACTACAAATAGGGTCTCC-3'
Protein context (NP_003913.3, residues 2211-2231): VLAEATIQLI[Arg2221Cys]ILHRTDRWTY